The following is an entry in ClinVar:

ClinVar aggregate classification (germline): Conflicting classifications of pathogenicity. Review status: criteria provided, conflicting classifications (1 of 4 stars). 3 submissions from 3 submitters: Uncertain significance (2); Likely benign (1). Last evaluated 2025-12-08.

Conditions:
Hereditary breast ovarian cancer syndrome. Also called: Hereditary breast and/or ovarian cancer syndrome; Breast and ovarian cancer; Hereditary breast and ovarian cancer; BRCA1- and BRCA2-Associated Hereditary Breast and Ovarian Cancer; Hereditary breast and ovarian cancer syndrome; Hereditary breast and ovarian cancer syndrome (HBOC). Identifiers: Orphanet 145, MedGen C0677776, MeSH D061325, MONDO:0003582. Disease mechanism: loss of function.
Hereditary cancer-predisposing syndrome. Also called: Tumor predisposition; Neoplastic Syndromes, Hereditary; Hereditary neoplastic syndrome; Hereditary Cancer Syndrome. Identifiers: Orphanet 140162, MedGen C0027672, MeSH D009386, MONDO:0015356.

Submissions (3):

Color Diagnostics, LLC DBA Color Health
Classification: Uncertain significance for Hereditary cancer-predisposing syndrome. Last evaluated: 2025-12-08. Review status: criteria provided, single submitter. Criteria: ACMG Guidelines, 2015. Collection method: clinical testing. Allele origin: germline.
Comment: This missense variant replaces aspartic acid with valine at codon 458 of the BRCA1 protein. Computational prediction suggests that this variant may have deleterious impact on protein structure and function. To our knowledge, functional studies have not been reported for this variant. This variant has not been reported in individuals affected with BRCA1-related disorders in the literature. This variant has not been identified in the general population by the Genome Aggregation Database (gnomAD). The available evidence is insufficient to determine the role of this variant in disease conclusively. Therefore, this variant is classified as a Variant of Uncertain Significance.

University of Washington Department of Laboratory Medicine, University of Washington
Classification: Likely benign for Hereditary cancer-predisposing syndrome. Last evaluated: 2023-03-23. Review status: criteria provided, single submitter. Criteria: Dines et al. (Genet Med. 2020). Collection method: curation. Allele origin: germline.
Comment: Missense variant in a coldspot region where missense variants are very unlikely to be pathogenic (PMID:31911673).

BRCA1 coldspot (exon 11 using historical exon numbering). Reclassification based on statistical prior probability

Labcorp Genetics (formerly Invitae), Labcorp
Classification: Uncertain significance for Hereditary breast ovarian cancer syndrome. Last evaluated: 2022-01-27. Review status: criteria provided, single submitter. Criteria: Invitae Variant Classification Sherloc (09022015). Collection method: clinical testing. Allele origin: germline.
Comment: This sequence change replaces aspartic acid, which is acidic and polar, with valine, which is neutral and non-polar, at codon 458 of the BRCA1 protein (p.Asp458Val). This variant is not present in population databases (gnomAD no frequency). This variant has not been reported in the literature in individuals affected with BRCA1-related conditions. Advanced modeling of protein sequence and biophysical properties (such as structural, functional, and spatial information, amino acid conservation, physicochemical variation, residue mobility, and thermodynamic stability) performed at Invitae indicates that this missense variant is not expected to disrupt BRCA1 protein function. In summary, the available evidence is currently insufficient to determine the role of this variant in disease. Therefore, it has been classified as a Variant of Uncertain Significance.

NM_007294.4(BRCA1):c.1373A>T (p.Asp458Val)

Gene: BRCA1 (BRCA1 DNA repair associated; minus strand). Cytogenetic location: 17q21.31.
Variant type: single nucleotide variant.
Coding change: c.1373A>T on transcript NM_007294.4 (MANE Select); coding-DNA position 1373, A replaced by T.
Protein change: p.Asp458Val; replaces aspartic acid 458 with valine.
Molecular consequence: missense variant. On other transcripts: intron variant (137).
Genome position (GRCh38, 1-based): chr17:43,094,158, T>A on the plus strand (A>T on the coding strand, the complement: BRCA1 is on the minus strand). VCF-style: chr17-43094158-T-A. GRCh37 (hg19) VCF-style: chr17-41246175-T-A.
Other names: c.577+586A>T (NM_001408492.1, NM_001408513.1, NM_001408489.1 and 9 more transcripts); c.643+586A>T (NM_001408468.1, NM_001408462.1, NM_001408465.1 and 3 more transcripts); c.523+586A>T (NM_001408501.1, NM_001408500.1, NM_001408497.1 and 3 more transcripts); c.646+586A>T (NM_001408455.1, NM_001408466.1, NM_001408452.1 and 11 more transcripts); c.520+586A>T (NM_001408503.1, NM_001408505.1, NM_001408504.1); c.787+586A>T (NM_001407973.1, NM_001408403.1, NM_001407981.1 and 19 more transcripts); c.404-3126A>T (NM_001408511.1); c.460+1688A>T (NM_001408507.1, NM_001408506.1); and 40 more; short protein forms D411V, D458V, D347V, D390V, D416V, D432V, D457V, D162V.
Identifiers: ClinVar variation 1514318 (VCV001514318.10), dbSNP rs2154450396, ClinGen allele CA10599297.